The following is an entry in ClinVar:

NM_001876.4(CPT1A):c.1352+1G>C

Genes: CPT1A (carnitine palmitoyltransferase 1A; minus strand), LOC126861244 (BRD4-independent group 4 enhancer GRCh37_chr11:68549035-68550234; plus strand). Cytogenetic location: 11q13.3.
Variant type: single nucleotide variant.
Coding change: c.1352+1G>C on transcript NM_001876.4 (MANE Select); the canonical splice donor site of the intron after coding-DNA position 1352, G replaced by C.
Molecular consequence: splice donor variant.
Genome position (GRCh38, 1-based): chr11:68,781,770, C>G on the plus strand (G>C on the coding strand, the complement: CPT1A is on the minus strand). VCF-style: chr11-68781770-C-G. GRCh37 (hg19) VCF-style: chr11-68549238-C-G.
Other names: c.1352+1G>C (NM_001031847.3).
Identifiers: ClinVar variation 2849794 (VCV002849794.4), dbSNP rs1293504009, ClinGen allele CA381631262.

ClinVar aggregate classification (germline): Likely pathogenic. Review status: criteria provided, multiple submitters, no conflicts (2 of 4 stars). 2 submissions from 2 submitters: Likely pathogenic (2). Last evaluated 2023-07-19.

Conditions:
Carnitine palmitoyl transferase 1A deficiency. Also called: CPT I DEFICIENCY; CPT DEFICIENCY, HEPATIC, TYPE I; CPT deficiency, hepatic, type IA; Carnitine palmitoyltransferase 1A deficiency; Carnitine palmitoyltransferase type I deficiency. Identifiers: Orphanet 156, MedGen C1829703, MONDO:0009705, OMIM 255120.

Allele frequency attached by ClinVar (database versions not stated): gnomAD 0.00001; TOPMed 0.00001.
gnomAD v4.1: 1 of 1,614,050 alleles (0.000062%); highest among the groups gnomAD compares: Non-Finnish European, 0.000085%; no homozygotes.

Submissions (2):

Labcorp Genetics (formerly Invitae), Labcorp
Classification: Likely pathogenic for Carnitine palmitoyl transferase 1A deficiency. Last evaluated: 2023-07-19. Review status: criteria provided, single submitter. Criteria: Invitae Variant Classification Sherloc (09022015). Collection method: clinical testing. Allele origin: germline.
Comment: This sequence change affects a donor splice site in intron 11 of the CPT1A gene. It is expected to disrupt RNA splicing. Variants that disrupt the donor or acceptor splice site typically lead to a loss of protein function (PMID: 16199547), and loss-of-function variants in CPT1A are known to be pathogenic (PMID: 16169268). This variant is not present in population databases (gnomAD no frequency). This variant has not been reported in the literature in individuals affected with CPT1A-related conditions. Algorithms developed to predict the effect of sequence changes on RNA splicing suggest that this variant may disrupt the consensus splice site. In summary, the currently available evidence indicates that the variant is pathogenic, but additional data are needed to prove that conclusively. Therefore, this variant has been classified as Likely Pathogenic.

Breda Genetics srl
Classification: Likely pathogenic for Carnitine palmitoyltransferase I deficiency. Last evaluated: 2021-02-24. Review status: criteria provided, single submitter. Criteria: ACMG Guidelines, 2015. Collection method: clinical testing. Allele origin: germline. Affected: no. Observed: 1 variant allele.
Comment: The variant affects the donor splice site and is expected to disrupt splicing.

Literature cited by the submitters: PubMed 16199547 (cited by Labcorp Genetics (formerly Invitae), Labcorp); PubMed 16169268 (cited by Labcorp Genetics (formerly Invitae), Labcorp).